The following is an entry in ClinVar:

NM_001364857.2(ADGRB2):c.270C>T (p.Cys90=)

Gene: ADGRB2 (adhesion G protein-coupled receptor B2; minus strand). Cytogenetic location: 1p35.2.
Variant type: single nucleotide variant.
Coding change: c.270C>T on transcript NM_001364857.2 (MANE Select); coding-DNA position 270, C replaced by T.
Protein change: p.Cys90=; no amino-acid change (cysteine 90 retained).
Molecular consequence: synonymous variant.
Genome position (GRCh38, 1-based): chr1:31,756,567, G>A on the plus strand (C>T on the coding strand, the complement: ADGRB2 is on the minus strand). VCF-style: chr1-31756567-G-A. GRCh37 (hg19) VCF-style: chr1-32222168-G-A.
Other names: c.270C>T, p.Cys90= (NM_001294335.2, NM_001294336.2, NM_001703.2).
Identifiers: ClinVar variation 2182068 (VCV002182068.4), dbSNP rs374551363, ClinGen allele CA736195.

ClinVar aggregate classification (germline): Uncertain significance (1 of 4 stars; one submission).

Allele frequency attached by ClinVar (database versions not stated): gnomAD 0.00002; ExAC 0.00004; gnomAD exomes 0.00004; TOPMed 0.00006; ESP Exome Variant Server 0.00008; 1000 Genomes Project 30x 0.00016; 1000 Genomes Project 0.00020.
gnomAD v4.1: 61 of 1,612,272 alleles (0.0038%); highest among the groups gnomAD compares: East Asian, 0.0067%; no homozygotes.

Submission:

Labcorp Genetics (formerly Invitae), Labcorp
Classification: Uncertain significance. Last evaluated: 2022-08-07. Review status: criteria provided, single submitter. Criteria: Invitae Variant Classification Sherloc (09022015). Collection method: clinical testing. Allele origin: germline.
Comment: This sequence change affects codon 90 of the ADGRB2 mRNA. It is a 'silent' change, meaning that it does not change the encoded amino acid sequence of the ADGRB2 protein. This variant is present in population databases (rs374551363, gnomAD 0.01%). This variant has not been reported in the literature in individuals affected with ADGRB2-related conditions. Algorithms developed to predict the effect of sequence changes on RNA splicing suggest that this variant may create or strengthen a splice site. In summary, the available evidence is currently insufficient to determine the role of this variant in disease. Therefore, it has been classified as a Variant of Uncertain Significance.